The following is an entry in ClinVar:

ClinVar aggregate classification (germline): Uncertain significance (1 of 4 stars; one submission).

Conditions:
Deficiency of ferroxidase (ACEP). Also called: Aceruloplasminemia; Ceruloplasmin deficiency; Familial apoceruloplasmin deficiency; Hereditary ceruloplasmin deficiency; Deficiency of ceruloplasmin; NEURODEGENERATION WITH BRAIN IRON ACCUMULATION 10. Identifiers: Orphanet 48818, MedGen C0878682, MONDO:0011426, OMIM 604290, HP:0025498.

Allele frequency attached by ClinVar (database versions not stated): gnomAD 0.00001; gnomAD exomes 0.00001; ExAC 0.00002.
gnomAD v4.1: 14 of 1,613,644 alleles (0.00087%); highest among the groups gnomAD compares: Non-Finnish European, 0.0012%; no homozygotes.

Submission:

Labcorp Genetics (formerly Invitae), Labcorp
Classification: Uncertain significance for Deficiency of ferroxidase. Last evaluated: 2021-01-08. Review status: criteria provided, single submitter. Criteria: Invitae Variant Classification Sherloc (09022015). Collection method: clinical testing. Allele origin: germline.
Comment: This sequence change replaces serine with proline at codon 865 of the CP protein (p.Ser865Pro). The serine residue is highly conserved and there is a moderate physicochemical difference between serine and proline. This variant is present in population databases (rs758596793, ExAC 0.003%). This variant has not been reported in the literature in individuals with CP-related conditions. Algorithms developed to predict the effect of missense changes on protein structure and function are either unavailable or do not agree on the potential impact of this missense change (SIFT: "Deleterious"; PolyPhen-2: "Possibly Damaging"; Align-GVGD: "Class C0"). In summary, the available evidence is currently insufficient to determine the role of this variant in disease. Therefore, it has been classified as a Variant of Uncertain Significance.

NM_000096.4(CP):c.2593T>C (p.Ser865Pro)

Gene: CP (ceruloplasmin; minus strand). Cytogenetic location: 3q24.
Variant type: single nucleotide variant.
Coding change: c.2593T>C on transcript NM_000096.4 (MANE Select); coding-DNA position 2593, T replaced by C.
Protein change: p.Ser865Pro; replaces serine 865 with proline.
Molecular consequence: missense variant. On other transcripts: non-coding transcript variant (1).
Genome position (GRCh38, 1-based): chr3:149,179,624, A>G on the plus strand (T>C on the coding strand, the complement: CP is on the minus strand). VCF-style: chr3-149179624-A-G. GRCh37 (hg19) VCF-style: chr3-148897411-A-G.
Other names: short protein forms S865P.
Identifiers: ClinVar variation 1427735 (VCV001427735.7), dbSNP rs758596793, ClinGen allele CA2660681.
Genomic context (GRCh38, chr3:149,179,624, plus strand): 5'-GATCCACAGTTGAATAATAAGCCCATGGAATACAAGCAGAATCCTCTGTTCCAGCTCCAG[A>G]TCTTTCTGGGATTTTCCATACGTAAGTGAGAGTTTCACCTAAATTCATCAAGTGTTAATG-3'
Protein context (NP_000087.2, residues 855-875): LTYVWKIPER[Ser865Pro]GAGTEDSACI